The following is an entry in ClinVar:

NM_001256007.3(PNPLA8):c.830A>T (p.Asp277Val)

Gene: PNPLA8 (patatin like domain 8, phospholipase A2; minus strand). Cytogenetic location: 7q31.1.
Variant type: single nucleotide variant.
Coding change: c.830A>T on transcript NM_001256007.3 (MANE Select); coding-DNA position 830, A replaced by T.
Protein change: p.Asp277Val; replaces aspartic acid 277 with valine.
Molecular consequence: missense variant.
Genome position (GRCh38, 1-based): chr7:108,514,662, T>A on the plus strand (A>T on the coding strand, the complement: PNPLA8 is on the minus strand). VCF-style: chr7-108514662-T-A. GRCh37 (hg19) VCF-style: chr7-108155106-T-A.
Other names: p.Asp277Val; c.830A>T, p.Asp277Val (NM_001256008.3, NM_001256009.3, NM_015723.5); c.530A>T, p.Asp177Val (NM_001256010.3, NM_001256011.3); c.830A>T (NM_015723.2); short protein forms D177V, D277V.
Identifiers: ClinVar variation 712682 (VCV000712682.13), dbSNP rs147828742, ClinGen allele CA4439745.
Genomic context (GRCh38, chr7:108,514,662, plus strand): 5'-CCTTCCGTGGGACGAGAAAGAAAGTTAGCAATACTTTGTTTAGTTGAAACTTGAAGAACA[T>A]CAGGTATCGCAGAAGGACTTGTAGGCTTGTCCACCGTATGTACAGATTCTGAGCCTGGCT-3'
Protein context (NP_001242936.1, residues 267-287): DKPTSPSAIP[Asp277Val]VLQVSTKQSI

ClinVar aggregate classification (germline): Conflicting classifications of pathogenicity. Review status: criteria provided, conflicting classifications (1 of 4 stars). 5 submissions from 5 submitters: Uncertain significance (2); Likely benign (2). 1 of the submissions does not count toward it. Last evaluated 2026-01-24.

Conditions:
PNPLA8-related disorder. Also called: PNPLA8-related condition.
Inborn genetic diseases. Identifiers: MedGen C0950123, MeSH D030342.

Allele frequency attached by ClinVar (database versions not stated): gnomAD exomes 0.00010 and 0.00025; ExAC 0.00024; gnomAD 0.00098; 1000 Genomes Project 0.00100; 1000 Genomes Project 30x 0.00109; TOPMed 0.00115; ESP Exome Variant Server 0.00138.
gnomAD v4.1: 302 of 1,613,952 alleles (0.019%); highest among the groups gnomAD compares: African/African-American, 0.36%; 1 homozygote.

Submissions (5):

Labcorp Genetics (formerly Invitae), Labcorp
Classification: Likely benign. Last evaluated: 2026-01-24. Review status: criteria provided, single submitter. Criteria: Invitae Variant Classification Sherloc (09022015). Collection method: clinical testing. Allele origin: germline.

Mayo Clinic Laboratories, Mayo Clinic
Classification: Uncertain significance. Last evaluated: 2025-06-29. Review status: criteria provided, single submitter. Criteria: ACMG Guidelines, 2015. Collection method: clinical testing. Allele origin: germline. Observed: 1 variant allele.
Comment: BS1

Ambry Genetics
Classification: Uncertain significance for Inborn genetic diseases. Last evaluated: 2021-07-09. Review status: criteria provided, single submitter. Criteria: Ambry Variant Classification Scheme 2023. Collection method: clinical testing. Allele origin: germline.

Women's Health and Genetics/Laboratory Corporation of America, LabCorp
Classification: Likely benign. Last evaluated: 2020-09-21. Review status: criteria provided, single submitter. Criteria: LabCorp Variant Classification Summary - May 2015. Collection method: clinical testing. Allele origin: germline.
Comment: Variant summary: PNPLA8 c.830A>T (p.Asp277Val) results in a non-conservative amino acid change in the encoded protein sequence. Three of five in-silico tools predict a damaging effect of the variant on protein function. The variant allele was found at a frequency of 0.00025 in 251370 control chromosomes, predominantly at a frequency of 0.0034 within the African or African-American subpopulation in the gnomAD database. The observed variant frequency within African or African-American control individuals in the gnomAD database is approximately 3-fold of the estimated maximal expected allele frequency for a pathogenic variant in PNPLA8 causing Mitochondrial Myopathy-Lactic Acidosis-Deafness Syndrome phenotype (0.0011), strongly suggesting that the variant is a benign polymorphism found primarily in populations of African or African-American origin. To our knowledge, no occurrence of c.830A>T in individuals affected with Mitochondrial Myopathy-Lactic Acidosis-Deafness Syndrome and no experimental evidence demonstrating its impact on protein function have been reported. A ClinVar submitter (evaluation after 2014) cites the variant as likely benign. Based on the evidence outlined above, the variant was classified as likely benign.

PreventionGenetics, part of Exact Sciences
Classification: Likely benign for PNPLA8-related condition. Last evaluated: 2022-05-06. Review status: no assertion criteria provided. Collection method: clinical testing. Allele origin: germline. Not counted in ClinVar's aggregate classification.
Comment: This variant is classified as likely benign based on ACMG/AMP sequence variant interpretation guidelines (Richards et al. 2015 PMID: 25741868, with internal and published modifications).